The following is an entry in ClinVar:

NM_020366.4(RPGRIP1):c.3587T>A (p.Met1196Lys)

Gene: RPGRIP1 (RPGR interacting protein 1; plus strand). Cytogenetic location: 14q11.2.
Variant type: single nucleotide variant.
Coding change: c.3587T>A on transcript NM_020366.4 (MANE Select); coding-DNA position 3587, T replaced by A.
Protein change: p.Met1196Lys; replaces methionine 1196 with lysine.
Molecular consequence: missense variant.
Genome position (GRCh38, 1-based): chr14:21,345,167, T>A. VCF-style: chr14-21345167-T-A. GRCh37 (hg19) VCF-style: chr14-21813326-T-A.
Other names: c.1565T>A, p.Met522Lys (NM_001377523.1, NM_001377950.1); c.2513T>A, p.Met838Lys (NM_001377948.1); c.1673T>A, p.Met558Lys (NM_001377949.1); c.1070T>A, p.Met357Lys (NM_001377951.1); short protein forms M357K, M558K, M838K, M1196K, M522K.
Identifiers: ClinVar variation 1037451 (VCV001037451.6), dbSNP rs769554584, ClinGen allele CA7089563.

ClinVar aggregate classification (germline): Uncertain significance (1 of 4 stars; one submission).

Conditions:
Cone-rod dystrophy 13 (CORD13). Identifiers: Orphanet 1872, MedGen C2750720, MONDO:0011987, OMIM 608194.
Leber congenital amaurosis 6 (LCA6). Identifiers: Orphanet 65, MedGen C1854260, MONDO:0013446, OMIM 613826.

Allele frequency attached by ClinVar (database versions not stated): gnomAD exomes 0.00001; ExAC 0.00002.

Submission:

Labcorp Genetics (formerly Invitae), Labcorp
Classification: Uncertain significance for Leber congenital amaurosis 6; Cone-rod dystrophy 13. Last evaluated: 2021-08-27. Review status: criteria provided, single submitter. Criteria: Invitae Variant Classification Sherloc (09022015). Collection method: clinical testing. Allele origin: germline.
Comment: This sequence change replaces methionine with lysine at codon 1196 of the RPGRIP1 protein (p.Met1196Lys). The methionine residue is moderately conserved and there is a moderate physicochemical difference between methionine and lysine. This variant is present in population databases (rs769554584, ExAC 0.003%). This variant has not been reported in the literature in individuals affected with RPGRIP1-related conditions. Algorithms developed to predict the effect of missense changes on protein structure and function are either unavailable or do not agree on the potential impact of this missense change (SIFT: "Deleterious"; PolyPhen-2: "Possibly Damaging"; Align-GVGD: "Class C0"). In summary, the available evidence is currently insufficient to determine the role of this variant in disease. Therefore, it has been classified as a Variant of Uncertain Significance.